The following continues an entry in ClinVar:

NM_000059.4(BRCA2):c.1755_1759del (p.Lys585fs)

Gene: BRCA2. ClinVar aggregate classification (germline): Pathogenic. Pathogenic (1).

Submissions 20 to 25 of 25:

Illumina Laboratory Services, Illumina
Classification: Pathogenic for BRCA2-Related Disorders. Last evaluated: 2018-10-18. Review status: criteria provided, single submitter. Criteria: ICSL Variant Classification Criteria 09 May 2019. Collection method: clinical testing. Allele origin: germline. Not counted in ClinVar's aggregate classification.
Comment: The BRCA2 c.1755_1759delGAAAA (p.Lys585AsnfsTer3) variant, also known as 1983del5 results in a frameshift and is predicted to result in premature termination of the protein. The p.Lys585AsnfsTer3 variant has been reported in at least three studies in which it is found in a heterozygous state in a total of eight patients diagnosed with breast, ovarian/fallopian tube, pancreatic, or other cancers (Lubinski et al. 2004; Pal et al. 2005; Susswein et al. 2016). The p.Lys585AsnfsTer3 variant is reported at a frequency of 0.000009 in the European (non-Finnish) population of the Genome Aggregation Database though this is based on one allele in a region of good sequence coverage so the variant is presumed to be rare. Hall et al. (2016) developed a mouse model of pancreatic acinar cell carcinoma and determined that it was homozygous for the BRCA2 p.Lys585AsnfsTer3 variant. Immunohistochemical staining of tissues from this mouse model revealed that the mutated BRCA2 protein was not localized to the nucleus, but was instead only expressed in the cytoplasm, as compared to normal tissues where BRCA2 was localized to both the nucleus and cytoplasm. This variant has not been reported in the literature in association with Fanconi anemia, and this variant could not be ruled out of causing this disease based on based on the variant frequency, disease prevalence, disease penetrance, and inheritance mode. Due to the potential impact of frameshift variants, the p.Lys585AsnfsTer3 variant is classified as pathogenic for BRCA2-related disorders.

Consortium of Investigators of Modifiers of BRCA1/2 (CIMBA), c/o University of Cambridge
Classification: Pathogenic for Breast-ovarian cancer, familial, susceptibility to, 2. Last evaluated: 2015-10-02. Review status: criteria provided, single submitter. Criteria: CIMBA Mutation Classification guidelines May 2016. Collection method: clinical testing. Allele origin: germline. Not counted in ClinVar's aggregate classification.

Counsyl
Classification: Pathogenic for Breast-ovarian cancer, familial, susceptibility to, 2. Last evaluated: 2016-08-22. Review status: no assertion criteria provided. Collection method: clinical testing. Allele origin: unknown. Not counted in ClinVar's aggregate classification.

Research Molecular Genetics Laboratory, Women's College Hospital, University of Toronto
Classification: Pathogenic for Hereditary breast ovarian cancer syndrome. Last evaluated: 2014-01-31. Review status: no assertion criteria provided. Collection method: research. Allele origin: germline. Affected: yes. Study: The Canadian Open Genetics Repository (COGR). Not counted in ClinVar's aggregate classification.

Sharing Clinical Reports Project (SCRP)
Classification: Pathogenic for Breast-ovarian cancer, familial 2. Last evaluated: 2011-12-12. Review status: no assertion criteria provided. Collection method: clinical testing. Allele origin: germline. Not counted in ClinVar's aggregate classification.

Breast Cancer Information Core (BIC) (BRCA2)
Classification: Pathogenic for Breast-ovarian cancer, familial 2. Last evaluated: 2002-05-29. Review status: no assertion criteria provided. Collection method: clinical testing. Allele origin: germline. Affected: yes. Observed: 21 variant alleles. Not counted in ClinVar's aggregate classification.

Literature cited by the submitters: PubMed 20104584 (cited by Labcorp Genetics (formerly Invitae), Labcorp); PubMed 15131399 (cited by 8 submitters); PubMed 16284991 (cited by 7 submitters); PubMed 19620486 (cited by 6 submitters); PubMed 20616022 (cited by 3 submitters); PubMed 25186627 (cited by 6 submitters); PubMed 26681312 (cited by 9 submitters); PubMed 20301425 (cited by Variantyx, Inc.); PubMed 17301269 (cited by 4 submitters); PubMed 22009639 (cited by 3 submitters); PubMed 31853058 (cited by Quest Diagnostics Nichols Institute San Juan Capistrano and All of Us Research Program, National Institutes of Health); PubMed 28888541 (cited by Quest Diagnostics Nichols Institute San Juan Capistrano and Department of Pathology and Laboratory Medicine, Sinai Health System); PubMed 26295337 (cited by Quest Diagnostics Nichols Institute San Juan Capistrano); PubMed 29446198 (cited by 3 submitters); PubMed 8988179 (cited by All of Us Research Program, National Institutes of Health); PubMed 11897832 (cited by All of Us Research Program, National Institutes of Health); PubMed 27165126 (cited by Department of Pathology and Laboratory Medicine, Sinai Health System and Illumina Laboratory Services, Illumina); PubMed 23725378 (cited by 3 submitters); PubMed 33471991 (cited by Department of Pathology and Laboratory Medicine, Sinai Health System); PubMed 19941162 (cited by Women's Health and Genetics/Laboratory Corporation of America, LabCorp).